The following is an entry in ClinVar:

NM_000535.7(PMS2):c.434A>G (p.Gln145Arg)

Gene: PMS2 (PMS1 homolog 2, mismatch repair system component; minus strand). Cytogenetic location: 7p22.1.
Variant type: single nucleotide variant.
Coding change: c.434A>G on transcript NM_000535.7 (MANE Select); coding-DNA position 434, A replaced by G.
Protein change: p.Gln145Arg; replaces glutamine 145 with arginine.
Molecular consequence: missense variant. On other transcripts: 5 prime UTR variant (2), non-coding transcript variant (1).
Genome position (GRCh38, 1-based): chr7:6,002,556, T>C on the plus strand (A>G on the coding strand, the complement: PMS2 is on the minus strand). VCF-style: chr7-6002556-T-C. GRCh37 (hg19) VCF-style: chr7-6042187-T-C.
Other names: c.29A>G, p.Gln10Arg (NM_001322003.2, NM_001322004.2, NM_001322005.2 and 3 more transcripts); c.434A>G, p.Gln145Arg (NM_001322006.2, NM_001322014.2); c.116A>G, p.Gln39Arg (NM_001322007.2, NM_001322008.2); c.-451A>G (NM_001322011.2, NM_001322012.2); c.125A>G, p.Gln42Arg (NM_001322015.2); short protein forms Q145R, Q42R, Q10R, Q39R.
Identifiers: ClinVar variation 421296 (VCV000421296.3), dbSNP rs1064795040, ClinGen allele CA16618532.

ClinVar aggregate classification (germline): Uncertain significance. Review status: criteria provided, multiple submitters, no conflicts (2 of 4 stars). 2 submissions from 2 submitters: Uncertain significance (2). Last evaluated 2025-03-06.

Conditions:
Hereditary cancer-predisposing syndrome. Also called: Hereditary neoplastic syndrome; Tumor predisposition; Neoplastic Syndromes, Hereditary; Hereditary Cancer Syndrome. Identifiers: Orphanet 140162, MedGen C0027672, MeSH D009386, MONDO:0015356.

Submissions (2):

Ambry Genetics
Classification: Uncertain significance for Hereditary cancer-predisposing syndrome. Last evaluated: 2025-03-06. Review status: criteria provided, single submitter. Criteria: Ambry Variant Classification Scheme 2023. Collection method: clinical testing. Allele origin: germline.
Comment: The p.Q145R variant (also known as c.434A>G), located in coding exon 5 of the PMS2 gene, results from an A to G substitution at nucleotide position 434. The glutamine at codon 145 is replaced by arginine, an amino acid with highly similar properties. This amino acid position is well conserved in available vertebrate species. In addition, this alteration is predicted to be tolerated by in silico analysis. Based on the available evidence, the clinical significance of this variant remains unclear.

GeneDx
Classification: Uncertain significance. Last evaluated: 2016-05-24. Review status: criteria provided, single submitter. Criteria: GeneDx Variant Classification (06012015). Collection method: clinical testing. Allele origin: germline. Affected: yes.
Comment: This variant is denoted PMS2 c.434A>G at the cDNA level, p.Gln145Arg (Q145R) at the protein level, and results in the change of a Glutamine to an Arginine (CAG>CGG). This variant has not, to our knowledge, been published in the literature as pathogenic or benign. PMS2 Gln145Arg was not observed in approximately 6,500 individuals of European and African American ancestry in the NHLBI Exome Sequencing Project, suggesting it is not a common benign variant in these populations. Since Glutamine and Arginine differ in some properties, this is considered a semi-conservative amino acid substitution. PMS2 Gln145Arg occurs at a position that is conserved in mammals and is located in the ATPase domain (Fukui 2011). In silico analyses are inconsistent regarding the effect this variant may have on protein structure and function. Based on currently available evidence, it is unclear whether PMS2 Gln145Arg is a pathogenic or benign variant. We consider it to be a variant of uncertain significance.